The following is an entry in ClinVar:

NM_001365951.3(KIF1B):c.2477C>T (p.Ala826Val)

Gene: KIF1B (kinesin family member 1B; plus strand). Cytogenetic location: 1p36.22.
Variant type: single nucleotide variant.
Coding change: c.2477C>T on transcript NM_001365951.3 (MANE Select); coding-DNA position 2477, C replaced by T.
Protein change: p.Ala826Val; replaces alanine 826 with valine.
Molecular consequence: missense variant.
Genome position (GRCh38, 1-based): chr1:10,324,002, C>T. VCF-style: chr1-10324002-C-T. GRCh37 (hg19) VCF-style: chr1-10384060-C-T.
Other names: c.2477C>T, p.Ala826Val (NM_001365952.1); c.2339C>T, p.Ala780Val (NM_015074.3); short protein forms A780V, A826V.
Identifiers: ClinVar variation 4543694 (VCV004543694.1).

ClinVar aggregate classification (germline): Uncertain significance (1 of 4 stars; one submission).

Submission:

Ambry Genetics
Classification: Uncertain significance. Last evaluated: 2025-12-10. Review status: criteria provided, single submitter. Criteria: Ambry Variant Classification Scheme 2023. Collection method: clinical testing. Allele origin: germline.
Comment: The p.A780V variant (also known as c.2339C>T), located in coding exon 22 of the KIF1B gene, results from a C to T substitution at nucleotide position 2339. The alanine at codon 780 is replaced by valine, an amino acid with similar properties. This amino acid position is conserved. In addition, the in silico prediction for this alteration is inconclusive. Based on the available evidence, the clinical significance of this variant remains unclear.